The following is an entry in ClinVar:

NM_001009944.3(PKD1):c.3086_3093del (p.Ala1029fs)

Gene: PKD1 (polycystin 1, transient receptor potential channel interacting; minus strand). Cytogenetic location: 16p13.3.
Variant type: Deletion.
Coding change: c.3086_3093del on transcript NM_001009944.3 (MANE Select); coding-DNA positions 3086 to 3093, 8 bases deleted (CCGTGCTG; older notation c.3086_3093delCCGTGCTG).
Protein change: p.Ala1029fs; shifts the reading frame from alanine 1029.
Molecular consequence: frameshift variant.
Genome position (GRCh38, 1-based): chr16:2,112,856-2,112,863, CAGCACGG deleted on the plus strand (CCGTGCTG on the coding strand, the reverse complement: PKD1 is on the minus strand); deleting any 8 consecutive bases within chr16:2,112,856-2,112,864 gives the same sequence; the c. name uses the placement nearest the transcript's 3' end. VCF-style (leftmost placement, unchanged base first): chr16-2112855-ACAGCACGG-A. GRCh37 (hg19) VCF-style: chr16-2162856-ACAGCACGG-A.
Other names: c.3086_3093del8 (NM_001009944.2); c.3086_3093del, p.Ala1029fs (NM_000296.4); short protein forms A1029fs.
Identifiers: ClinVar variation 4996393 (VCV004996393.1).
Genomic context (GRCh38, chr16:2,112,855, plus strand): 5'-CCACCTCCACGGCCGAGTCCACCAGCACGCCCGCCGTCAGTGCTAGCGTGGCATTGGGGG[ACAGCACGG>A]CCGGCACTGTGGAGACCTGCAGACCCTGCATCCTGTTCATCCGCTCCACGGTTACGTTGT-3'

ClinVar aggregate classification (germline): Likely pathogenic (1 of 4 stars; one submission).

Conditions:
PKD1-related disorder. Also called: PKD1-related condition.

Submission:

PreventionGenetics, part of Exact Sciences
Classification: Likely pathogenic for PKD1-related condition. Last evaluated: 2026-06-14. Review status: criteria provided, single submitter. Criteria: ACMG Guidelines, 2015. Collection method: clinical testing. Allele origin: germline.
Comment: The PKD1 c.3086_3093del8 variant is predicted to result in a frameshift and premature protein termination (p.Ala1029Valfs*69). To our knowledge, this exact variant has not been reported in the literature or in a large population database (gnomAD), indicating this variant is rare. Frameshift variants in PKD1 are expected to be pathogenic, and other similar and overlapping frameshift variants have been reported in affected individuals in the literature (Human Gene Mutation Database). This variant is interpreted as likely pathogenic.